The following is an entry in ClinVar:

ClinVar aggregate classification (germline): Uncertain significance. Review status: criteria provided, multiple submitters, no conflicts (2 of 4 stars). 2 submissions from 2 submitters: Uncertain significance (2). Last evaluated 2025-12-11.

gnomAD v4.1: 1 of 1,610,716 alleles (0.000062%); highest among the groups gnomAD compares: Non-Finnish European, 0.000085%; no homozygotes.

Submissions (2):

GeneDx
Classification: Uncertain significance. Last evaluated: 2025-12-11. Review status: criteria provided, single submitter. Criteria: GeneDx Variant Classification Process June 2021. Collection method: clinical testing. Allele origin: germline.
Comment: Not observed at significant frequency in large population cohorts (gnomAD); In silico analysis supports that this missense variant has a deleterious effect on protein structure/function; Has not been previously published as pathogenic or benign to our knowledge

Labcorp Genetics (formerly Invitae), Labcorp
Classification: Uncertain significance. Last evaluated: 2024-07-16. Review status: criteria provided, single submitter. Criteria: Invitae Variant Classification Sherloc (09022015). Collection method: clinical testing. Allele origin: germline.
Comment: This sequence change replaces phenylalanine, which is neutral and non-polar, with isoleucine, which is neutral and non-polar, at codon 1463 of the SCN3A protein (p.Phe1463Ile). This variant is not present in population databases (gnomAD no frequency). This variant has not been reported in the literature in individuals affected with SCN3A-related conditions. Advanced modeling of protein sequence and biophysical properties (such as structural, functional, and spatial information, amino acid conservation, physicochemical variation, residue mobility, and thermodynamic stability) has been performed at Invitae for this missense variant, however the output from this modeling did not meet the statistical confidence thresholds required to predict the impact of this variant on SCN3A protein function. This variant disrupts the p.Phe1463 amino acid residue in SCN3A. Other variant(s) that disrupt this residue have been determined to be pathogenic (Invitae). This suggests that this residue is clinically significant, and that variants that disrupt this residue are likely to be disease-causing. In summary, the available evidence is currently insufficient to determine the role of this variant in disease. Therefore, it has been classified as a Variant of Uncertain Significance.

NM_006922.4(SCN3A):c.4387T>A (p.Phe1463Ile)

Gene: SCN3A (sodium voltage-gated channel alpha subunit 3; minus strand). Cytogenetic location: 2q24.3.
Variant type: single nucleotide variant.
Coding change: c.4387T>A on transcript NM_006922.4 (MANE Select); coding-DNA position 4387, T replaced by A.
Protein change: p.Phe1463Ile; replaces phenylalanine 1463 with isoleucine.
Molecular consequence: missense variant.
Genome position (GRCh38, 1-based): chr2:165,095,555, A>T on the plus strand (T>A on the coding strand, the complement: SCN3A is on the minus strand). VCF-style: chr2-165095555-A-T. GRCh37 (hg19) VCF-style: chr2-165952065-A-T.
Other names: c.4240T>A, p.Phe1414Ile (NM_001081676.2, NM_001081677.2); c.4387T>A (NM_006922.3); short protein forms F1414I, F1463I.
Identifiers: ClinVar variation 3624069 (VCV003624069.4).
Genomic context (GRCh38, chr2:165,095,555, plus strand): 5'-GCTAAAGAATACTTATCTTCTTTTTCTGCTGGTTGAAGTTATCTATGATGACACCAATGA[A>T]TAGATTCAGAGTGAAGAATGACCCAAAGATGATAAAGATGACAAAGTATAAATACATGTA-3'
Protein context (NP_008853.3, residues 1453-1473): IFGSFFTLNL[Phe1463Ile]IGVIIDNFNQ